The following is an entry in ClinVar:

NM_000130.5(F5):c.4346C>T (p.Pro1449Leu)

Gene: F5 (coagulation factor V; minus strand). Cytogenetic location: 1q24.2.
Variant type: single nucleotide variant.
Coding change: c.4346C>T on transcript NM_000130.5 (MANE Select); coding-DNA position 4346, C replaced by T.
Protein change: p.Pro1449Leu; replaces proline 1449 with leucine.
Molecular consequence: missense variant.
Genome position (GRCh38, 1-based): chr1:169,540,744, G>A on the plus strand (C>T on the coding strand, the complement: F5 is on the minus strand). VCF-style: chr1-169540744-G-A. GRCh37 (hg19) VCF-style: chr1-169509982-G-A.
Other names: c.4346C>T (NM_000130.4); short protein forms P1449L.
Identifiers: ClinVar variation 1138027 (VCV001138027.9), dbSNP rs113768654, ClinGen allele CA1233713.
Genomic context (GRCh38, chr1:169,540,744, plus strand): 5'-GATTCAGAAGGGTAGAATATCTGATCAAGGTCTGGAGGAGGTGATATCTGGCTGAGATCC[G>A]GGAGAAGGGTGGTGTCACTGATGTCTGGAGAGAGAGTCACCTGGCTGAGGTCTGGGGAAA-3'
Protein context (NP_000121.2, residues 1439-1459): SPDISDTTLL[Pro1449Leu]DLSQISPPPD

ClinVar aggregate classification (germline): Conflicting classifications of pathogenicity. Review status: criteria provided, conflicting classifications (1 of 4 stars). 2 submissions from 2 submitters: Uncertain significance (1); Likely benign (1). Last evaluated 2026-08-22.

Conditions:
Congenital factor V deficiency. Also called: Hereditary factor V deficiency disease; LABILE FACTOR DEFICIENCY; OWREN PARAHEMOPHILIA; PARAHEMOPHILIA. Identifiers: Orphanet 326, MedGen C0015499, MONDO:0009210, OMIM 227400.
Inborn genetic diseases. Identifiers: MedGen C0950123, MeSH D030342.

Allele frequency attached by ClinVar (database versions not stated): gnomAD exomes 0.00008 and 0.00005; ExAC 0.00009; gnomAD 0.00017 and 0.00016; ESP Exome Variant Server 0.00023; TOPMed 0.00017.
gnomAD v4.1: 105 of 1,613,986 alleles (0.0065%); highest among the groups gnomAD compares: African/African-American, 0.049%; no homozygotes.

Submissions (2):

Ambry Genetics
Classification: Uncertain significance for Inborn genetic diseases. Last evaluated: 2026-08-22. Review status: criteria provided, single submitter. Criteria: Ambry Variant Classification Scheme 2023. Collection method: clinical testing. Allele origin: germline.
Comment: The p.P1449L variant (also known as c.4346C>T), located in coding exon 13 of the F5 gene, results from a C to T substitution at nucleotide position 4346. The proline at codon 1449 is replaced by leucine, an amino acid with similar properties. This amino acid position is conserved. In addition, this alteration is predicted to be tolerated by in silico analysis. Based on the available evidence, the clinical significance of this variant remains unclear.

Labcorp Genetics (formerly Invitae), Labcorp
Classification: Likely benign for Congenital factor V deficiency. Last evaluated: 2024-08-04. Review status: criteria provided, single submitter. Criteria: Invitae Variant Classification Sherloc (09022015). Collection method: clinical testing. Allele origin: germline.